The following is an entry in ClinVar:

ClinVar aggregate classification (germline): Uncertain significance (1 of 4 stars; one submission).

Submission:

Women's Health and Genetics/Laboratory Corporation of America, LabCorp
Classification: Uncertain significance. Last evaluated: 2024-12-19. Review status: criteria provided, single submitter. Criteria: LabCorp Variant Classification Summary - May 2015. Collection method: clinical testing. Allele origin: germline.
Comment: Variant summary: ERF c.193C>T (p.Arg65Trp) results in a non-conservative amino acid change in the encoded protein sequence. Four of five in-silico tools predict a damaging effect of the variant on protein function. The variant was absent in 251388 control chromosomes (gnomAD). c.193C>T has been reported in the literature as a de novo occurrence in an individual affected with an ERF-Related Disorder (Maron_2023). These data suggest the variant may be associated with disease. To our knowledge, no experimental evidence demonstrating an impact on protein function has been reported. The following publication has been ascertained in the context of this evaluation (PMID: 37432431). No submitters have cited clinical-significance assessments for this variant to ClinVar. Based on the evidence outlined above, the variant was classified as VUS-possibly pathogenic.

Literature cited by the submitters: PubMed 37432431.

NM_006494.4(ERF):c.193C>T (p.Arg65Trp)

Gene: ERF (ETS2 repressor factor; minus strand). Cytogenetic location: 19q13.2.
Variant type: single nucleotide variant.
Coding change: c.193C>T on transcript NM_006494.4 (MANE Select); coding-DNA position 193, C replaced by T.
Protein change: p.Arg65Trp; replaces arginine 65 with tryptophan.
Molecular consequence: missense variant. On other transcripts: 5 prime UTR variant (3).
Genome position (GRCh38, 1-based): chr19:42,250,395, G>A on the plus strand (C>T on the coding strand, the complement: ERF is on the minus strand). VCF-style: chr19-42250395-G-A. GRCh37 (hg19) VCF-style: chr19-42754547-G-A.
Other names: c.-33C>T (NM_001301035.2, NM_001308402.2, NM_001312656.2); short protein forms R65W.
Identifiers: ClinVar variation 3768514 (VCV003768514.1).